The following is an entry in ClinVar:

ClinVar aggregate classification (germline): Pathogenic (1 of 4 stars; one submission).

Conditions:
Methylcobalamin deficiency type cblE (HMAE). Also called: HOMOCYSTINURIA-MEGALOBLASTIC ANEMIA, cblE TYPE; VITAMIN B12-RESPONSIVE HOMOCYSTINURIA, cblE TYPE; HOMOCYSTINURIA-MEGALOBLASTIC ANEMIA, cblE COMPLEMENTATION TYPE. Identifiers: Orphanet 2169, Orphanet 622, MedGen C1856057, MONDO:0009354, OMIM 236270.

Submission:

Labcorp Genetics (formerly Invitae), Labcorp
Classification: Pathogenic for Methylcobalamin deficiency type cblE. Last evaluated: 2025-07-17. Review status: criteria provided, single submitter. Criteria: Invitae Variant Classification Sherloc (09022015). Collection method: clinical testing. Allele origin: germline.
Comment: This sequence change creates a premature translational stop signal (p.Ser439Leufs*14) in the MTRR gene. It is expected to result in an absent or disrupted protein product. Loss-of-function variants in MTRR are known to be pathogenic (PMID: 15714522). This variant is not present in population databases (gnomAD no frequency). This variant has not been reported in the literature in individuals affected with MTRR-related conditions. ClinVar contains an entry for this variant (Variation ID: 1072380). For these reasons, this variant has been classified as Pathogenic.

Literature cited by the submitters: PubMed 15714522.

NM_002454.3(MTRR):c.1314_1315insCTGCCAGCCACCACTC (p.Ser439fs)

Gene: MTRR (5-methyltetrahydrofolate-homocysteine methyltransferase reductase; plus strand). Cytogenetic location: 5p15.31.
Variant type: Insertion.
Coding change: c.1314_1315insCTGCCAGCCACCACTC on transcript NM_002454.3 (MANE Select); coding-DNA positions 1314 to 1315, CTGCCAGCCACCACTC inserted.
Protein change: p.Ser439fs; shifts the reading frame from serine 439.
Molecular consequence: frameshift variant. On other transcripts: non-coding transcript variant (14).
Genome position: GRCh38 VCF-style: chr5-7889247-T-TTGCCAGCCACCACTCC. GRCh37 (hg19) VCF-style: chr5-7889360-T-TTGCCAGCCACCACTCC.
Other names: c.1314_1315insCTGCCAGCCACCACTC, p.Ser439fs (NM_001364440.2, NM_001364441.2, NM_001364442.2 and 1 more transcripts); short protein forms S439fs.
Identifiers: ClinVar variation 1072380 (VCV001072380.7), dbSNP rs2126772123, ClinGen allele CA2499217916.
Genomic context (GRCh38, chr5:7,889,247, plus strand): 5'-TAGCCGCTTTGTACGAGATGCCTGTGCCTGCTTGTTGGATCTCCTCCTCGCTTTCCCTTC[T>TTGCCAGCCACCACTCC]TGCCAGCCACCACTCAGTCTCCTGCTCGGTGAGTAGTCGCTTTCACAAGCACCTTGGTGG-3'